The following is an entry in ClinVar:

NM_018136.5(ASPM):c.1603_1607del (p.Gln535fs)

Gene: ASPM (assembly factor for spindle microtubules; minus strand). Cytogenetic location: 1q31.3.
Variant type: Deletion.
Coding change: c.1603_1607del on transcript NM_018136.5 (MANE Select); coding-DNA positions 1603 to 1607, 5 bases deleted (CAAAA; older notation c.1603_1607delCAAAA).
Protein change: p.Gln535fs; shifts the reading frame from glutamine 535.
Molecular consequence: frameshift variant.
Genome position (GRCh38, 1-based): chr1:197,142,645-197,142,649, TTTTG deleted on the plus strand (CAAAA on the coding strand, the reverse complement: ASPM is on the minus strand). VCF-style (leftmost placement, unchanged base first): chr1-197142644-CTTTTG-C. GRCh37 (hg19) VCF-style: chr1-197111774-CTTTTG-C.
Other names: c.1603_1607del, p.Gln535fs (NM_001206846.2); short protein forms Q535fs.
Identifiers: ClinVar variation 2814886 (VCV002814886.3), dbSNP rs2527402182, ClinGen allele CA2739275495.

ClinVar aggregate classification (germline): Pathogenic (1 of 4 stars; one submission).

Submission:

Labcorp Genetics (formerly Invitae), Labcorp
Classification: Pathogenic. Last evaluated: 2022-11-17. Review status: criteria provided, single submitter. Criteria: Invitae Variant Classification Sherloc (09022015). Collection method: clinical testing. Allele origin: germline.
Comment: For these reasons, this variant has been classified as Pathogenic. This variant has not been reported in the literature in individuals affected with ASPM-related conditions. This variant is not present in population databases (gnomAD no frequency). This sequence change creates a premature translational stop signal (p.Gln535Glyfs*18) in the ASPM gene. It is expected to result in an absent or disrupted protein product. Loss-of-function variants in ASPM are known to be pathogenic (PMID: 19028728, 23611254).

Literature cited by the submitters: PubMed 19028728; PubMed 23611254.